The following is an entry in ClinVar:

ClinVar aggregate classification (germline): Uncertain significance (1 of 4 stars; one submission).

gnomAD v4.1: 3 of 1,608,274 alleles (0.00019%); highest among the groups gnomAD compares: African/African-American, 0.004%; no homozygotes.

Submission:

GeneDx
Classification: Uncertain significance. Last evaluated: 2024-07-08. Review status: criteria provided, single submitter. Criteria: GeneDx Variant Classification Process June 2021. Collection method: clinical testing. Allele origin: germline. Affected: yes.
Comment: Not observed at significant frequency in large population cohorts (gnomAD); In silico analysis indicates that this missense variant does not alter protein structure/function; Has not been previously published as pathogenic or benign to our knowledge

NM_032119.4(ADGRV1):c.17452A>G (p.Lys5818Glu)

Gene: ADGRV1 (adhesion G protein-coupled receptor V1; plus strand). Cytogenetic location: 5q14.3.
Variant type: single nucleotide variant.
Coding change: c.17452A>G on transcript NM_032119.4 (MANE Select); coding-DNA position 17452, A replaced by G.
Protein change: p.Lys5818Glu; replaces lysine 5818 with glutamic acid.
Molecular consequence: missense variant. On other transcripts: non-coding transcript variant (1).
Genome position (GRCh38, 1-based): chr5:90,853,531, A>G. VCF-style: chr5-90853531-A-G. GRCh37 (hg19) VCF-style: chr5-90149348-A-G.
Other names: short protein forms K5818E.
Identifiers: ClinVar variation 3572602 (VCV003572602.1).